The following is an entry in ClinVar:

ClinVar aggregate classification (germline): Uncertain significance (1 of 4 stars; one submission).

Conditions:
Mitochondrial complex II deficiency, nuclear type 1. Also called: SUCCINATE CoQ REDUCTASE DEFICIENCY. Identifiers: Orphanet 3208, MedGen C5700310, MONDO:0100294, OMIM 252011.
Pheochromocytoma/paraganglioma syndrome 5. Also called: Paragangliomas 5; SDHA-Related Hereditary Paraganglioma-Pheochromocytoma Syndrome. Identifiers: Orphanet 29072, MedGen C3279992, MONDO:0013602, OMIM 614165.

Submission:

Labcorp Genetics (formerly Invitae), Labcorp
Classification: Uncertain significance for Pheochromocytoma/paraganglioma syndrome 5; Mitochondrial complex II deficiency, nuclear type 1. Last evaluated: 2025-05-05. Review status: criteria provided, single submitter. Criteria: Invitae Variant Classification Sherloc (09022015). Collection method: clinical testing. Allele origin: germline.
Comment: This sequence change replaces isoleucine, which is neutral and non-polar, with serine, which is neutral and polar, at codon 484 of the SDHA protein (p.Ile484Ser). This variant is not present in population databases (gnomAD no frequency). This variant has not been reported in the literature in individuals affected with SDHA-related conditions. ClinVar contains an entry for this variant (Variation ID: 3754203). Invitae Evidence Modeling of protein sequence and biophysical properties (such as structural, functional, and spatial information, amino acid conservation, physicochemical variation, residue mobility, and thermodynamic stability) indicates that this missense variant is not expected to disrupt SDHA protein function with a negative predictive value of 95%. In summary, the available evidence is currently insufficient to determine the role of this variant in disease. Therefore, it has been classified as a Variant of Uncertain Significance.

NM_004168.4(SDHA):c.1451T>G (p.Ile484Ser)

Gene: SDHA (succinate dehydrogenase complex flavoprotein subunit A; plus strand). Cytogenetic location: 5p15.33.
Variant type: single nucleotide variant.
Coding change: c.1451T>G on transcript NM_004168.4 (MANE Select); coding-DNA position 1451, T replaced by G.
Protein change: p.Ile484Ser; replaces isoleucine 484 with serine.
Molecular consequence: missense variant.
Genome position (GRCh38, 1-based): chr5:240,376, T>G. VCF-style: chr5-240376-T-G. GRCh37 (hg19) VCF-style: chr5-240491-T-G.
Other names: c.1307T>G, p.Ile436Ser (NM_001294332.2); c.1451T>G, p.Ile484Ser (NM_001330758.2); short protein forms I436S, I484S.
Identifiers: ClinVar variation 3754203 (VCV003754203.2).